The following is an entry in ClinVar:

NC_012920.1(MT-ND2):m.5493T>C

Gene: MT-ND2 (mitochondrially encoded NADH dehydrogenase 2; plus strand).
Variant type: single nucleotide variant.
Genome position: chrM-5493-T-C.
Identifiers: ClinVar variation 692595 (VCV000692595.1), dbSNP rs1603219983, ClinGen allele CA414780564.

ClinVar aggregate classification (germline): Benign (1 of 4 stars; one submission).

Conditions:
Leigh syndrome (NULS). Also called: Leigh's necrotizing encephalopathy; Leigh's disease; Leigh Syndrome (mtDNA deletion); Leigh Disease; Subacute necrotizing encephalopathy; Necrotizing encephalopathy infantile subacute of Leigh. Identifiers: Orphanet 506, MedGen C2931891, MONDO:0009723, OMIM 256000.

Submission:

Wong Mito Lab, Molecular and Human Genetics, Baylor College of Medicine
Classification: Benign for Leigh syndrome. Last evaluated: 2019-10-17. Review status: criteria provided, single submitter. Criteria: Modified ACMG Guidelines (Unpublished). Collection method: clinical testing. Allele origin: germline.
Comment: The NC_012920.1:m.5493T>C (YP_003024027.1:p.Phe342Leu) variant in MTND2 gene is interpretated to be a Benign variant based on the modified ACMG guidelines (unpublished). This variant meets the following evidence codes: BS1, BS2, BP4